The following is an entry in ClinVar:

NM_001277313.2(FMN1):c.1867+1689C>G

Gene: FMN1 (formin 1; minus strand). Cytogenetic location: 15q13.3.
Variant type: single nucleotide variant.
Coding change: c.1867+1689C>G on transcript NM_001277313.2 (MANE Select); 1689 bases into the intron after coding-DNA position 1867, C replaced by G.
Molecular consequence: intron variant. On other transcripts: missense variant (1).
Genome position (GRCh38, 1-based): chr15:33,151,359, G>C on the plus strand (C>G on the coding strand, the complement: FMN1 is on the minus strand). VCF-style: chr15-33151359-G-C. GRCh37 (hg19) VCF-style: chr15-33443560-G-C.
Other names: c.1888C>G, p.Gln630Glu (NM_001277314.2); short protein forms Q630E.
Identifiers: ClinVar variation 2074165 (VCV002074165.4), dbSNP rs1295844558, ClinGen allele CA391905809.

ClinVar aggregate classification (germline): Uncertain significance (1 of 4 stars; one submission).

Allele frequency attached by ClinVar (database versions not stated): gnomAD exomes 0.00001; gnomAD 0.00001; TOPMed 0.00004.
gnomAD v4.1: 17 of 1,536,596 alleles (0.0011%); highest among the groups gnomAD compares: Admixed American, 0.0059%; no homozygotes.

Submission:

Labcorp Genetics (formerly Invitae), Labcorp
Classification: Uncertain significance. Last evaluated: 2022-04-04. Review status: criteria provided, single submitter. Criteria: Invitae Variant Classification Sherloc (09022015). Collection method: clinical testing. Allele origin: germline.
Comment: This sequence change replaces glutamine, which is neutral and polar, with glutamic acid, which is acidic and polar, at codon 630 of the FMN1 protein (p.Gln630Glu). In summary, the available evidence is currently insufficient to determine the role of this variant in disease. Therefore, it has been classified as a Variant of Uncertain Significance. Experimental studies and prediction algorithms are not available or were not evaluated, and the functional significance of this variant is currently unknown. This variant has not been reported in the literature in individuals affected with FMN1-related conditions. This variant is present in population databases (no rsID available, gnomAD 0.01%). The FMN1 gene has multiple clinically relevant transcripts. This variant occurs in alternate transcript NM_001277314.1, and corresponds to NM_001103184.3:c.-83475C>G in the primary transcript.